The following is an entry in ClinVar:

NM_000548.5(TSC2):c.4849+1G>T

Gene: TSC2 (TSC complex subunit 2; plus strand). Cytogenetic location: 16p13.3.
Variant type: single nucleotide variant.
Coding change: c.4849+1G>T on transcript NM_000548.5 (MANE Select); the canonical splice donor site of the intron after coding-DNA position 4849, G replaced by T.
Molecular consequence: splice donor variant.
Genome position (GRCh38, 1-based): chr16:2,086,380, G>T. VCF-style: chr16-2086380-G-T. GRCh37 (hg19) VCF-style: chr16-2136381-G-T.
Other names: c.4849+1G>T (NM_000548.4); c.3307+1G>T (NM_001406693.1, NM_001406692.1, NM_001406694.1); c.4741+1G>T (NM_001406667.1); c.4738+1G>T (NM_001406668.1); c.4249+1G>T (NM_001406680.1); c.4180+1G>T (NM_001406683.1, NM_001406682.1); c.4048+1G>T (NM_001406687.1, NM_001406688.1); c.3436+1G>T (NM_001406689.1); and 27 more.
Identifiers: ClinVar variation 1430667 (VCV001430667.8), dbSNP rs45517375, ClinGen allele CA394308166.

ClinVar aggregate classification (germline): Pathogenic. Review status: criteria provided, single submitter (1 of 4 stars). 2 submissions from 2 submitters: Pathogenic (1). 1 of the submissions does not count toward it. Last evaluated 2025-02-17.

Conditions:
TSC2-related disorder. Also called: TSC2-Related Disorders; TSC2-related condition.
Tuberous sclerosis 2 (TSC2). Identifiers: Orphanet 805, MedGen C1860707, MONDO:0013199, OMIM 613254.

Submissions (2):

Labcorp Genetics (formerly Invitae), Labcorp
Classification: Pathogenic for Tuberous sclerosis 2. Last evaluated: 2025-02-17. Review status: criteria provided, single submitter. Criteria: Invitae Variant Classification Sherloc (09022015). Collection method: clinical testing. Allele origin: germline.
Comment: This sequence change affects a donor splice site in intron 37 of the TSC2 gene. It is expected to disrupt RNA splicing. Variants that disrupt the donor or acceptor splice site typically lead to a loss of protein function (PMID: 16199547), and loss-of-function variants in TSC2 are known to be pathogenic (PMID: 10205261, 17304050). This variant is not present in population databases (gnomAD no frequency). Disruption of this splice site has been observed in individual(s) with clinical features of tuberous sclerosis complex (PMID: 17304050; internal data). In at least one individual the variant was observed to be de novo. ClinVar contains an entry for this variant (Variation ID: 1430667). Algorithms developed to predict the effect of sequence changes on RNA splicing suggest that this variant may disrupt the consensus splice site. For these reasons, this variant has been classified as Pathogenic.

PreventionGenetics, part of Exact Sciences
Classification: Pathogenic for TSC2-related condition. Last evaluated: 2023-11-29. Review status: no assertion criteria provided. Collection method: clinical testing. Allele origin: germline. Not counted in ClinVar's aggregate classification.
Comment: The TSC2 c.4849+1G>T variant is predicted to disrupt the GT donor site and interfere with normal splicing. To our knowledge this variant has not been reported in the literature or in a large population database, indicating this variant is rare. It is interpreted as pathogenic in ClinVar. Variants that disrupt the consensus splice donor site in TSC2 are expected to be pathogenic. This variant is interpreted as pathogenic.

Literature cited by the submitters: PubMed 16199547 (cited by Labcorp Genetics (formerly Invitae), Labcorp); PubMed 10205261 (cited by Labcorp Genetics (formerly Invitae), Labcorp); PubMed 17304050 (cited by Labcorp Genetics (formerly Invitae), Labcorp).